The following is an entry in ClinVar:

NM_001347721.2(DYRK1A):c.1188A>C (p.Leu396Phe)

Gene: DYRK1A (dual specificity tyrosine phosphorylation regulated kinase 1A; plus strand). Cytogenetic location: 21q22.13.
Variant type: single nucleotide variant.
Coding change: c.1188A>C on transcript NM_001347721.2 (MANE Select); coding-DNA position 1188, A replaced by C.
Protein change: p.Leu396Phe; replaces leucine 396 with phenylalanine.
Molecular consequence: missense variant.
Genome position (GRCh38, 1-based): chr21:37,496,234, A>C. VCF-style: chr21-37496234-A-C. GRCh37 (hg19) VCF-style: chr21-38868536-A-C.
Other names: c.1188A>C, p.Leu396Phe (NM_001347722.2, NM_130436.2); c.1101A>C, p.Leu367Phe (NM_001347723.2); c.1215A>C, p.Leu405Phe (NM_001396.5, NM_101395.2, NM_130438.2); short protein forms L396F, L367F, L405F.
Identifiers: ClinVar variation 3690831 (VCV003690831.2).

ClinVar aggregate classification (germline): Uncertain significance (1 of 4 stars; one submission).

Conditions:
DYRK1A-related intellectual disability syndrome (MRD7). Also called: DYRK1A Syndrome; Intellectual developmental disorder, autosomal dominant 7. Identifiers: Orphanet 464306, MedGen C5568143, MONDO:0013578, OMIM 614104.

gnomAD v4.1: 2 of 1,612,886 alleles (0.00012%); highest among the groups gnomAD compares: Non-Finnish European, 0.00017%; no homozygotes.

Submission:

Labcorp Genetics (formerly Invitae), Labcorp
Classification: Uncertain significance for DYRK1A-related intellectual disability syndrome. Last evaluated: 2024-05-08. Review status: criteria provided, single submitter. Criteria: Invitae Variant Classification Sherloc (09022015). Collection method: clinical testing. Allele origin: germline.
Comment: This sequence change replaces leucine, which is neutral and non-polar, with phenylalanine, which is neutral and non-polar, at codon 405 of the DYRK1A protein (p.Leu405Phe). This variant is not present in population databases (gnomAD no frequency). This variant has not been reported in the literature in individuals affected with DYRK1A-related conditions. Advanced modeling of protein sequence and biophysical properties (such as structural, functional, and spatial information, amino acid conservation, physicochemical variation, residue mobility, and thermodynamic stability) performed at Invitae indicates that this missense variant is not expected to disrupt DYRK1A protein function with a negative predictive value of 80%. In summary, the available evidence is currently insufficient to determine the role of this variant in disease. Therefore, it has been classified as a Variant of Uncertain Significance.